The following is an entry in ClinVar:

ClinVar aggregate classification (germline): Likely pathogenic. Review status: criteria provided, single submitter (1 of 4 stars). 2 submissions from 1 submitter: Likely pathogenic (1). 1 of the submissions does not count toward it. Last evaluated 2024-03-17.

Conditions:
Vitelliform macular dystrophy 5. Identifiers: Orphanet 99000, MedGen C4015343, MONDO:0014509, OMIM 616152.

Submissions (2):

Genomic Medicine Center of Excellence, King Faisal Specialist Hospital and Research Centre
Classification: Likely pathogenic for Vitelliform macular dystrophy 5. Last evaluated: 2024-03-17. Review status: criteria provided, single submitter. Criteria: ACMG Guidelines, 2015. Collection method: research. Allele origin: germline.

Genomic Medicine Center of Excellence, King Faisal Specialist Hospital and Research Centre
Classification: Likely pathogenic. Review status: flagged submission. Criteria: ACMG Guidelines, 2015. Collection method: research. Allele origin: germline. Affected: yes. Not counted in ClinVar's aggregate classification.
ClinVar note: Reason: This record appears to be redundant with a more recent record from the same submitter.
ClinVar note: Notes: SCV000221565 appears to be redundant with SCV004805148.

NM_016247.4(IMPG2):c.380G>C (p.Arg127Pro)

Gene: IMPG2 (interphotoreceptor matrix proteoglycan 2; minus strand). Cytogenetic location: 3q12.3.
Variant type: single nucleotide variant.
Coding change: c.380G>C on transcript NM_016247.4 (MANE Select); coding-DNA position 380, G replaced by C.
Protein change: p.Arg127Pro; replaces arginine 127 with proline.
Molecular consequence: missense variant.
Genome position (GRCh38, 1-based): chr3:101,304,267, C>G on the plus strand (G>C on the coding strand, the complement: IMPG2 is on the minus strand). VCF-style: chr3-101304267-C-G. GRCh37 (hg19) VCF-style: chr3-101023111-C-G.
Other names: short protein forms R127P.
Identifiers: ClinVar variation 191182 (VCV000191182.3), dbSNP rs766305807, ClinGen allele CA236198.